The following is an entry in ClinVar:

NM_014444.5(TUBGCP4):c.83C>T (p.Ser28Leu)

Gene: TUBGCP4 (tubulin gamma complex component 4; plus strand). Cytogenetic location: 15q15.3.
Variant type: single nucleotide variant.
Coding change: c.83C>T on transcript NM_014444.5 (MANE Select); coding-DNA position 83, C replaced by T.
Protein change: p.Ser28Leu; replaces serine 28 with leucine.
Molecular consequence: missense variant.
Genome position (GRCh38, 1-based): chr15:43,376,102, C>T. VCF-style: chr15-43376102-C-T. GRCh37 (hg19) VCF-style: chr15-43668300-C-T.
Other names: c.83C>T, p.Ser28Leu (NM_001286414.3); c.83C>T (NM_014444.2); short protein forms S28L.
Identifiers: ClinVar variation 859722 (VCV000859722.8), dbSNP rs201099512, ClinGen allele CA7523651.

ClinVar aggregate classification (germline): Conflicting classifications of pathogenicity. Review status: criteria provided, conflicting classifications (1 of 4 stars). 3 submissions from 3 submitters: Uncertain significance (2); Benign (1). Last evaluated 2025-10-20.

Conditions:
Inborn genetic diseases. Identifiers: MedGen C0950123, MeSH D030342.

Allele frequency attached by ClinVar (database versions not stated): ExAC 0.00011; gnomAD 0.00013 and 0.00014; ESP Exome Variant Server 0.00016; TOPMed 0.00020; gnomAD exomes 0.00021.

Submissions (3):

Labcorp Genetics (formerly Invitae), Labcorp
Classification: Uncertain significance. Last evaluated: 2025-10-20. Review status: criteria provided, single submitter. Criteria: Invitae Variant Classification Sherloc (09022015). Collection method: clinical testing. Allele origin: germline.
Comment: This sequence change replaces serine, which is neutral and polar, with leucine, which is neutral and non-polar, at codon 28 of the TUBGCP4 protein (p.Ser28Leu). This variant is present in population databases (rs201099512, gnomAD 0.1%). This variant has not been reported in the literature in individuals affected with TUBGCP4-related conditions. ClinVar contains an entry for this variant (Variation ID: 859722). Invitae Evidence Modeling of protein sequence and biophysical properties (such as structural, functional, and spatial information, amino acid conservation, physicochemical variation, residue mobility, and thermodynamic stability) indicates that this missense variant is not expected to disrupt TUBGCP4 protein function with a negative predictive value of 80%. In summary, the available evidence is currently insufficient to determine the role of this variant in disease. Therefore, it has been classified as a Variant of Uncertain Significance.

Blueprint Genetics
Classification: Benign. Last evaluated: 2024-11-25. Review status: criteria provided, single submitter. Criteria: ACMG Guidelines, 2015. Collection method: clinical testing. Allele origin: germline.

Ambry Genetics
Classification: Uncertain significance for Inborn genetic diseases. Last evaluated: 2024-10-21. Review status: criteria provided, single submitter. Criteria: Ambry Variant Classification Scheme 2023. Collection method: clinical testing. Allele origin: germline.